The following is an entry in ClinVar:

ClinVar aggregate classification (germline): Uncertain significance (1 of 4 stars; one submission).

Conditions:
Inborn genetic diseases. Identifiers: MedGen C0950123, MeSH D030342.

Allele frequency attached by ClinVar (database versions not stated): gnomAD exomes below 0.00001.
gnomAD v4.1: 3 of 1,609,188 alleles (0.00019%); highest among the groups gnomAD compares: Non-Finnish European, 0.00025%; no homozygotes.

Submission:

Ambry Genetics
Classification: Uncertain significance for Inborn genetic diseases. Last evaluated: 2022-11-10. Review status: criteria provided, single submitter. Criteria: Ambry Variant Classification Scheme 2023. Collection method: clinical testing. Allele origin: germline.
Comment: The p.I2083M variant (also known as c.6249A>G), located in coding exon 37 of the ATR gene, results from an A to G substitution at nucleotide position 6249. The isoleucine at codon 2083 is replaced by methionine, an amino acid with highly similar properties. This amino acid position is conserved. In addition, this alteration is predicted to be tolerated by in silico analysis. Since supporting evidence is limited at this time, the clinical significance of this alteration remains unclear.

NM_001184.4(ATR):c.6249A>G (p.Ile2083Met)

Gene: ATR (ATR checkpoint kinase; minus strand). Cytogenetic location: 3q23.
Variant type: single nucleotide variant.
Coding change: c.6249A>G on transcript NM_001184.4 (MANE Select); coding-DNA position 6249, A replaced by G.
Protein change: p.Ile2083Met; replaces isoleucine 2083 with methionine.
Molecular consequence: missense variant.
Genome position (GRCh38, 1-based): chr3:142,470,156, T>C on the plus strand (A>G on the coding strand, the complement: ATR is on the minus strand). VCF-style: chr3-142470156-T-C. GRCh37 (hg19) VCF-style: chr3-142188998-T-C.
Other names: c.6057A>G, p.Ile2019Met (NM_001354579.2); short protein forms I2019M, I2083M.
Identifiers: ClinVar variation 2496587 (VCV002496587.2), dbSNP rs2473074007, ClinGen allele CA354805976.
Genomic context (GRCh38, chr3:142,470,156, plus strand): 5'-TTCATATGCCTTTGTACCATAATCAAGCCATAGAGTTAACATTCGTGGCATTGACTGATA[T>C]ATGAACTGATTTCCATATTGTAGAGATCTGCAATTATATAGACAAGAAACACTATTAGCA-3'
Protein context (NP_001175.2, residues 2073-2093): GRSLQYGNQF[Ile2083Met]YQSMPRMLTL